The following is an entry in ClinVar:

NM_016373.4(WWOX):c.196G>T (p.Glu66Ter)

Gene: WWOX (WW domain containing oxidoreductase; plus strand). Cytogenetic location: 16q23.1.
Variant type: single nucleotide variant.
Coding change: c.196G>T on transcript NM_016373.4 (MANE Select); coding-DNA position 196, G replaced by T.
Protein change: p.Glu66Ter; replaces glutamic acid 66 with a stop codon.
Molecular consequence: nonsense. On other transcripts: 5 prime UTR variant (1), non-coding transcript variant (1).
Genome position (GRCh38, 1-based): chr16:78,109,801, G>T. VCF-style: chr16-78109801-G-T. GRCh37 (hg19) VCF-style: chr16-78143698-G-T.
Other names: c.-144G>T (NM_001291997.2); c.196G>T, p.Glu66Ter (NM_130791.5); short protein forms E66*.
Identifiers: ClinVar variation 3366926 (VCV003366926.1).
Genomic context (GRCh38, chr16:78,109,801, plus strand): 5'-CCCTGGCACCTGTAGACCTGTCTTTCTTGTGTTTCAGATTTGCCATACGGATGGGAACAA[G>T]AAACTGATGAGAACGGACAAGTGTTTTTTGTTGAGTAAGTGTCTGCAAAGAAACCACTCT-3'

ClinVar aggregate classification (germline): Pathogenic (1 of 4 stars; one submission).

Conditions:
Developmental and epileptic encephalopathy, 28 (DEE28). Also called: Epileptic encephalopathy, early infantile, 28. Identifiers: Orphanet 442835, MedGen C4015519, MONDO:0014533, OMIM 616211.

gnomAD v4.1: 4 of 1,614,140 alleles (0.00025%); highest among the groups gnomAD compares: Non-Finnish European, 0.00034%; no homozygotes.

Submission:

Kids Research, The Children's Hospital at Westmead
Classification: Pathogenic for Developmental and epileptic encephalopathy, 28. Last evaluated: 2024-09-20. Review status: criteria provided, single submitter. Criteria: ACMG Guidelines, 2015. Collection method: research. Allele origin: germline. Affected: yes.
Comment: PVS1, PM2, PM3